The following is an entry in ClinVar:

ClinVar aggregate classification (germline): Uncertain significance (1 of 4 stars; one submission).

Conditions:
Hereditary sensory and autonomic neuropathy type 6. Also called: HSAN VI; Neuropathy, hereditary sensory and autonomic, type VI. Identifiers: Orphanet 314381, MedGen C3539003, MONDO:0013839, OMIM 614653.
Epidermolysis bullosa simplex 3, localized or generalized intermediate, with BP230 deficiency (EBS3). Also called: Epidermolysis bullosa simplex, autosomal recessive 2; Epidermolysis bullosa simplex due to BP230 deficiency. Identifiers: Orphanet 412181, MedGen C3809470, MONDO:0014180, OMIM 615425.

gnomAD v4.1: 3 of 1,613,420 alleles (0.00019%); highest among the groups gnomAD compares: Non-Finnish European, 0.00025%; no homozygotes.

Submission:

Labcorp Genetics (formerly Invitae), Labcorp
Classification: Uncertain significance for Epidermolysis bullosa simplex 3, localized or generalized intermediate, with BP230 deficiency; Hereditary sensory and autonomic neuropathy type 6. Last evaluated: 2023-01-21. Review status: criteria provided, single submitter. Criteria: Invitae Variant Classification Sherloc (09022015). Collection method: clinical testing. Allele origin: germline.
Comment: The DST gene has multiple clinically relevant transcripts. This variant occurs in alternate transcript NM_015548.4, and corresponds to NM_001723.5:c.*117584G>T in the primary transcript. This sequence change replaces valine, which is neutral and non-polar, with phenylalanine, which is neutral and non-polar, at codon 4050 of the DST protein (p.Val4050Phe). This variant is not present in population databases (gnomAD no frequency). This variant has not been reported in the literature in individuals affected with DST-related conditions. Experimental studies and prediction algorithms are not available or were not evaluated, and the functional significance of this variant is currently unknown. In summary, the available evidence is currently insufficient to determine the role of this variant in disease. Therefore, it has been classified as a Variant of Uncertain Significance.

NM_001374736.1(DST):c.20017G>T (p.Val6673Phe)

Gene: DST (dystonin; minus strand). Cytogenetic location: 6p12.1.
Variant type: single nucleotide variant.
Coding change: c.20017G>T on transcript NM_001374736.1 (MANE Select); coding-DNA position 20017, G replaced by T.
Protein change: p.Val6673Phe; replaces valine 6673 with phenylalanine.
Molecular consequence: missense variant.
Genome position (GRCh38, 1-based): chr6:56,497,933, C>A on the plus strand (G>T on the coding strand, the complement: DST is on the minus strand). VCF-style: chr6-56497933-C-A. GRCh37 (hg19) VCF-style: chr6-56362731-C-A.
Other names: c.13660G>T, p.Val4554Phe (NM_001144769.5); c.13246G>T, p.Val4416Phe (NM_001144770.2); c.20017G>T, p.Val6673Phe (NM_001374722.1); c.19057G>T, p.Val6353Phe (NM_001374729.1); c.12799G>T, p.Val4267Phe (NM_001374730.1); c.20044G>T, p.Val6682Phe (NM_001374734.1); c.13126G>T, p.Val4376Phe (NM_001386100.1, NM_183380.4); c.12148G>T, p.Val4050Phe (NM_015548.5); short protein forms V4376F, V4050F, V4554F, V4267F, V4416F, V6353F, V6673F, V6682F.
Identifiers: ClinVar variation 2932912 (VCV002932912.3), dbSNP rs2534075623, ClinGen allele CA364519219.